The following is an entry in ClinVar:

ClinVar aggregate classification (germline): Uncertain significance (1 of 4 stars; one submission).

Conditions:
Emery-Dreifuss muscular dystrophy 4, autosomal dominant (EDMD4). Also called: EMERY-DREIFUSS MUSCULAR DYSTROPHY 4 WITH VARIABLE FEATURES. Identifiers: Orphanet 261, MedGen C2751807, MONDO:0013071, OMIM 612998.
Autosomal recessive ataxia, Beauce type. Also called: Spinocerebellar ataxia, autosomal recessive 8; ATAXIA, RECESSIVE, OF BEAUCE; SYNE1 Deficiency; SYNE1-Related Autosomal Recessive Cerebellar Ataxia. Identifiers: Orphanet 88644, MedGen C1853116, MONDO:0012549, OMIM 610743.

Allele frequency attached by ClinVar (database versions not stated): ExAC 0.00012; gnomAD exomes 0.00012; 1000 Genomes Project 30x 0.00016; 1000 Genomes Project 0.00020; TOPMed 0.00003; gnomAD 0.00005 and 0.00008.
gnomAD v4.1: 136 of 1,614,106 alleles (0.0084%); highest among the groups gnomAD compares: East Asian, 0.22%; no homozygotes.

Submission:

Labcorp Genetics (formerly Invitae), Labcorp
Classification: Uncertain significance for Emery-Dreifuss muscular dystrophy 4, autosomal dominant; Autosomal recessive ataxia, Beauce type. Last evaluated: 2025-08-21. Review status: criteria provided, single submitter. Criteria: Invitae Variant Classification Sherloc (09022015). Collection method: clinical testing. Allele origin: germline.
Comment: This sequence change replaces valine, which is neutral and non-polar, with glycine, which is neutral and non-polar, at codon 1097 of the SYNE1 protein (p.Val1097Gly). This variant is present in population databases (rs539464964, gnomAD 0.1%). This variant has not been reported in the literature in individuals affected with SYNE1-related conditions. ClinVar contains an entry for this variant (Variation ID: 1417355). An algorithm developed to predict the effect of missense changes on protein structure and function outputs the following: PolyPhen-2: "Benign". The glycine amino acid residue is found in multiple mammalian species, which suggests that this missense change does not adversely affect protein function. In summary, the available evidence is currently insufficient to determine the role of this variant in disease. Therefore, it has been classified as a Variant of Uncertain Significance.

NM_182961.4(SYNE1):c.3269T>G (p.Val1090Gly)

Gene: SYNE1 (spectrin repeat containing nuclear envelope protein 1; minus strand). Cytogenetic location: 6q25.2.
Variant type: single nucleotide variant.
Coding change: c.3269T>G on transcript NM_182961.4 (MANE Select); coding-DNA position 3269, T replaced by G.
Protein change: p.Val1090Gly; replaces valine 1090 with glycine.
Molecular consequence: missense variant.
Genome position (GRCh38, 1-based): chr6:152,450,751, A>C on the plus strand (T>G on the coding strand, the complement: SYNE1 is on the minus strand). VCF-style: chr6-152450751-A-C. GRCh37 (hg19) VCF-style: chr6-152771886-A-C.
Other names: c.3290T>G, p.Val1097Gly (NM_033071.5); short protein forms V1097G, V1090G.
Identifiers: ClinVar variation 1417355 (VCV001417355.7), dbSNP rs539464964, ClinGen allele CA4058880.